The following is an entry in ClinVar:

ClinVar aggregate classification (germline): Conflicting classifications of pathogenicity. Review status: criteria provided, conflicting classifications (1 of 4 stars). 5 submissions from 5 submitters: Pathogenic (3); Likely pathogenic (1); Uncertain significance (1). Last evaluated 2025-08-18.

Conditions:
Hereditary hemochromatosis (HFE). Identifiers: MedGen C0392514, MONDO:0006507. Disease mechanism: loss of function.
Hemochromatosis type 3 (HFE3). Also called: TFR2-Related Hemochromatosis; HEMOCHROMATOSIS DUE TO DEFECT IN TRANSFERRIN RECEPTOR 2; Hereditary hemochromatosis type 3. Identifiers: Orphanet 225123, MedGen C1858664, MONDO:0011417, OMIM 604250.

Allele frequency attached by ClinVar (database versions not stated): gnomAD exomes below 0.00001 and 0.00001; TOPMed below 0.00001; ExAC 0.00001.
gnomAD v4.1: 7 of 1,613,976 alleles (0.00043%); highest among the groups gnomAD compares: African/African-American, 0.0027%; no homozygotes.

Submissions (6):

Labcorp Genetics (formerly Invitae), Labcorp
Classification: Pathogenic for Hereditary hemochromatosis. Last evaluated: 2025-08-18. Review status: criteria provided, single submitter. Criteria: Invitae Variant Classification Sherloc (09022015). Collection method: clinical testing. Allele origin: germline.
Comment: This sequence change replaces glycine, which is neutral and non-polar, with arginine, which is basic and polar, at codon 430 of the TFR2 protein (p.Gly430Arg). This variant is present in population databases (rs780902940, gnomAD 0.003%). This missense change has been observed in individuals with hemochromatosis (PMID: 22981443, 23600741, 27896572, 35462491). It has also been observed to segregate with disease in related individuals. ClinVar contains an entry for this variant (Variation ID: 810145). Invitae Evidence Modeling of protein sequence and biophysical properties (such as structural, functional, and spatial information, amino acid conservation, physicochemical variation, residue mobility, and thermodynamic stability) indicates that this missense variant is expected to disrupt TFR2 protein function with a positive predictive value of 95%. Algorithms developed to predict the effect of sequence changes on RNA splicing suggest that this variant may disrupt the consensus splice site. For these reasons, this variant has been classified as Pathogenic.

Natera, Inc.
Classification: Likely pathogenic for Hereditary hemochromatosis type 3. Last evaluated: 2025-08-06. Review status: criteria provided, single submitter. Criteria: Natera Variant Classification Schema (03/2026). Collection method: clinical testing. Allele origin: germline.
Comment: The c.1288G>A variant in TFR2 is a missense variant predicted to cause substitution of glycine to arginine at amino acid 430. This variant is rare in the general population with a frequency below the threshold expected for the associated phenotype(s). This variant has been observed in one or more individuals affected with the associated recessive disease, as either homozygous or compound heterozygous with a second variant (PMID: 39687529, 35464850, 27896572, 23600741). Computational prediction algorithms indicate this variant is likely to affect gene or protein function. Given the available evidence, this variant is classified as Likely Pathogenic.

Women's Health and Genetics/Laboratory Corporation of America, LabCorp
Classification: Pathogenic for Hemochromatosis type 3. Last evaluated: 2025-04-30. Review status: criteria provided, single submitter. Criteria: LabCorp Variant Classification Summary - May 2015. Collection method: clinical testing. Allele origin: germline.
Comment: Variant summary: TFR2 c.1288G>A (p.Gly430Arg) results in a non-conservative amino acid change in the encoded protein sequence. Five of five in-silico tools predict a damaging effect of the variant on protein function. The variant allele was found at a frequency of 4e-06 in 251358 control chromosomes (gnomAD). c.1288G>A has been observed in multiple individuals affected with Hemochromatosis Type 3 (e.g., Majore_2013, Bardou-Jacquet_2013, Wang_2017, Liu_2022, Montvilait-Laurinaviien_2024). These data indicate that the variant is very likely to be associated with disease. To our knowledge, no experimental evidence demonstrating an impact on protein function has been reported. The following publications have been ascertained in the context of this evaluation (PMID: 23600741, 35462491, 22981443, 39687529, 35464850, 27896572). ClinVar contains an entry for this variant (Variation ID: 810145). Based on the evidence outlined above, the variant was classified as pathogenic.

Baylor Genetics
Classification: Pathogenic for Hemochromatosis type 3. Last evaluated: 2024-03-18. Review status: criteria provided, single submitter. Criteria: ACMG Guidelines, 2015. Collection method: clinical testing. Allele origin: unknown.

CeGaT Center for Human Genetics Tuebingen
Classification: Uncertain significance. Last evaluated: 2019-06-01. Review status: criteria provided, single submitter. Criteria: CeGaT Center For Human Genetics Tuebingen Variant Classification Criteria Version 2. Collection method: clinical testing. Allele origin: germline. Affected: yes. Observed: 1 variant allele.

Dr. Peter K. Rogan Lab, Western University
No classification provided (evidence only). Condition: Clear cell carcinoma of kidney. Review status: no classification provided. Collection method: in vitro. Allele origin: not applicable. Functional consequence: skipped exon, retained intron. Not counted in ClinVar's aggregate classification.

Literature cited by the submitters: PubMed 22981443 (cited by Labcorp Genetics (formerly Invitae), Labcorp and Women's Health and Genetics/Laboratory Corporation of America, LabCorp); PubMed 23600741 (cited by 3 submitters); PubMed 27896572 (cited by 3 submitters); PubMed 35462491 (cited by Labcorp Genetics (formerly Invitae), Labcorp and Women's Health and Genetics/Laboratory Corporation of America, LabCorp); PubMed 39687529 (cited by Natera, Inc. and Women's Health and Genetics/Laboratory Corporation of America, LabCorp); PubMed 35464850 (cited by Natera, Inc. and Women's Health and Genetics/Laboratory Corporation of America, LabCorp).

NM_003227.4(TFR2):c.1288G>A (p.Gly430Arg)

Gene: TFR2 (transferrin receptor 2; minus strand). Cytogenetic location: 7q22.1.
Variant type: single nucleotide variant.
Coding change: c.1288G>A on transcript NM_003227.4 (MANE Select); coding-DNA position 1288, G replaced by A.
Protein change: p.Gly430Arg; replaces glycine 430 with arginine.
Molecular consequence: missense variant.
Genome position (GRCh38, 1-based): chr7:100,629,355, C>T on the plus strand (G>A on the coding strand, the complement: TFR2 is on the minus strand). VCF-style: chr7-100629355-C-T. GRCh37 (hg19) VCF-style: chr7-100226978-C-T.
Other names: c.1288G>A (NM_003227.3); c.775G>A, p.Gly259Arg (NM_001206855.3); short protein forms G259R, G430R.
Identifiers: ClinVar variation 810145 (VCV000810145.51), dbSNP rs780902940, ClinGen allele CA4386492.